The following is an entry in ClinVar:

NM_004174.4(SLC9A3):c.796G>A (p.Val266Met)

Gene: SLC9A3 (solute carrier family 9 member A3). Cytogenetic location: 5p15.33.
Variant type: single nucleotide variant.
Coding change: c.796G>A on transcript NM_004174.4 (MANE Select); coding-DNA position 796, G replaced by A.
Protein change: p.Val266Met; replaces valine 266 with methionine.
Molecular consequence: missense variant.
Genome position (GRCh38, 1-based): chr5:484,656, C>T on the plus strand (G>A on the coding strand, the complement: SLC9A3 is on the minus strand). VCF-style: chr5-484656-C-T. GRCh37 (hg19) VCF-style: chr5-484771-C-T.
Other names: c.796G>A, p.Val266Met (NM_001284351.3); c.796G>A (NM_004174.3); short protein forms V266M.
Identifiers: ClinVar variation 1094687 (VCV001094687.13), dbSNP rs140474355, ClinGen allele CA3176174.

ClinVar aggregate classification (germline): Conflicting classifications of pathogenicity. Review status: criteria provided, conflicting classifications (1 of 4 stars). 4 submissions from 4 submitters: Uncertain significance (1); Likely benign (2). 1 of the submissions does not count toward it. Last evaluated 2026-02-02.

Conditions:
SLC9A3-related disorder. Also called: SLC9A3-related condition.

Allele frequency attached by ClinVar (database versions not stated): 1000 Genomes Project 0.00040; 1000 Genomes Project 30x 0.00047; ESP Exome Variant Server 0.00062; gnomAD 0.00074 and 0.00078; gnomAD exomes 0.00083 and 0.00113; TOPMed 0.00087; ExAC 0.00119.
gnomAD v4.1: 1,363 of 1,613,098 alleles (0.084%); highest among the groups gnomAD compares: Middle Eastern, 0.84%; 4 homozygotes.

Submissions (4):

Labcorp Genetics (formerly Invitae), Labcorp
Classification: Likely benign. Last evaluated: 2026-02-02. Review status: criteria provided, single submitter. Criteria: Invitae Variant Classification Sherloc (09022015). Collection method: clinical testing. Allele origin: germline.

Blueprint Genetics
Classification: Uncertain significance. Last evaluated: 2024-11-26. Review status: criteria provided, single submitter. Criteria: ACMG Guidelines, 2015. Collection method: clinical testing. Allele origin: germline.

Breakthrough Genomics
Classification: Likely benign. Review status: criteria provided, single submitter. Criteria: ACMG Guidelines, 2015. Collection method: not provided. Allele origin: germline. Inheritance: Autosomal recessive inheritance. Affected: yes.

PreventionGenetics, part of Exact Sciences
Classification: Likely benign for SLC9A3-related condition. Last evaluated: 2023-01-20. Review status: no assertion criteria provided. Collection method: clinical testing. Allele origin: germline. Not counted in ClinVar's aggregate classification.
Comment: This variant is classified as likely benign based on ACMG/AMP sequence variant interpretation guidelines (Richards et al. 2015 PMID: 25741868, with internal and published modifications).